The following is an entry in ClinVar:

NM_198076.6(COX20):c.203T>G (p.Leu68Trp)

Gene: COX20 (cytochrome c oxidase assembly factor COX20; plus strand). Cytogenetic location: 1q44.
Variant type: single nucleotide variant.
Coding change: c.203T>G on transcript NM_198076.6 (MANE Select); coding-DNA position 203, T replaced by G.
Protein change: p.Leu68Trp; replaces leucine 68 with tryptophan.
Molecular consequence: missense variant. On other transcripts: 3 prime UTR variant (1), non-coding transcript variant (3).
Genome position (GRCh38, 1-based): chr1:244,842,240, T>G. VCF-style: chr1-244842240-T-G. GRCh37 (hg19) VCF-style: chr1-245005542-T-G.
Other names: c.203T>G, p.Leu68Trp (NM_001312871.1); c.239T>G, p.Leu80Trp (NM_001312872.1); c.68T>G, p.Leu23Trp (NM_001312873.1); c.*13T>G (NM_001312874.1); short protein forms L80W, L23W, L68W.
Identifiers: ClinVar variation 1934225 (VCV001934225.5), dbSNP rs2527470237, ClinGen allele CA345676523.
Genomic context (GRCh38, chr1:244,842,240, plus strand): 5'-TGCTTATTTTTACAGGTAGAATTAGAAGATCATGTGATGTTGGAGTAGGAGGGTTTATCT[T>G]GGTGACTTTGGGATGCTGGTATGTTTGCTAAGTATTCAAGAACATCCATGATTATAGTAG-3'
Protein context (NP_932342.1, residues 58-78): SCDVGVGGFI[Leu68Trp]VTLGCWFHCR

ClinVar aggregate classification (germline): Uncertain significance (1 of 4 stars; one submission).

Submission:

Labcorp Genetics (formerly Invitae), Labcorp
Classification: Uncertain significance. Last evaluated: 2022-05-17. Review status: criteria provided, single submitter. Criteria: Invitae Variant Classification Sherloc (09022015). Collection method: clinical testing. Allele origin: germline.
Comment: This sequence change replaces leucine, which is neutral and non-polar, with tryptophan, which is neutral and slightly polar, at codon 68 of the COX20 protein (p.Leu68Trp). This variant is not present in population databases (gnomAD no frequency). This variant has not been reported in the literature in individuals affected with COX20-related conditions. Algorithms developed to predict the effect of missense changes on protein structure and function are either unavailable or do not agree on the potential impact of this missense change (SIFT: "Deleterious"; PolyPhen-2: "Benign"; Align-GVGD: "Class C0"). In summary, the available evidence is currently insufficient to determine the role of this variant in disease. Therefore, it has been classified as a Variant of Uncertain Significance.